The following is an entry in ClinVar:

NM_017882.3(CLN6):c.749G>A (p.Arg250His)

Gene: CLN6 (CLN6 transmembrane ER protein; minus strand). Cytogenetic location: 15q23.
Variant type: single nucleotide variant.
Coding change: c.749G>A on transcript NM_017882.3 (MANE Select); coding-DNA position 749, G replaced by A.
Protein change: p.Arg250His; replaces arginine 250 with histidine.
Molecular consequence: missense variant.
Genome position (GRCh38, 1-based): chr15:68,208,327, C>T on the plus strand (G>A on the coding strand, the complement: CLN6 is on the minus strand). VCF-style: chr15-68208327-C-T. GRCh37 (hg19) VCF-style: chr15-68500665-C-T.
Other names: p.R250H:CGC>CAC; short protein forms R250H.
Identifiers: ClinVar variation 205175 (VCV000205175.10), dbSNP rs554594996, ClinGen allele CA313978.
Genomic context (GRCh38, chr15:68,208,327, plus strand): 5'-AGGGTCAGTGCGAAGGAGGAGAAGAGGAAGAGGCCGTTGCTGTCCAGGAAGAGGCGCTTG[C>T]GCTTCTGGTGCAGGACGAGGGCCAGCATGGCGAAGAAGGTGAAGATGAAGAGGATGAAGA-3'
Protein context (NP_060352.1, residues 240-260): AMLALVLHQK[Arg250His]KRLFLDSNGL

ClinVar aggregate classification (germline): Uncertain significance. Review status: criteria provided, multiple submitters, no conflicts (2 of 4 stars). 2 submissions from 2 submitters: Uncertain significance (2). Last evaluated 2025-08-21.

Conditions:
Neuronal ceroid lipofuscinosis. Also called: Neuronal Ceroid Lipofuscinoses. Identifiers: Orphanet 216, Orphanet 79263, MedGen C0027877, MONDO:0016295. Disease mechanism: loss of function.

Allele frequency attached by ClinVar (database versions not stated): gnomAD 0.00005 and 0.00006; TOPMed 0.00005; ExAC 0.00010; gnomAD exomes 0.00011; 1000 Genomes Project 30x 0.00016; 1000 Genomes Project 0.00020.
gnomAD v4.1: 67 of 1,614,082 alleles (0.0042%); highest among the groups gnomAD compares: Admixed American, 0.025%; no homozygotes.

Submissions (2):

Labcorp Genetics (formerly Invitae), Labcorp
Classification: Uncertain significance for Neuronal ceroid lipofuscinosis. Last evaluated: 2025-08-21. Review status: criteria provided, single submitter. Criteria: Invitae Variant Classification Sherloc (09022015). Collection method: clinical testing. Allele origin: germline.
Comment: This sequence change replaces arginine, which is basic and polar, with histidine, which is basic and polar, at codon 250 of the CLN6 protein (p.Arg250His). This variant is present in population databases (rs554594996, gnomAD 0.04%). This variant has not been reported in the literature in individuals affected with CLN6-related conditions. ClinVar contains an entry for this variant (Variation ID: 205175). Invitae Evidence Modeling of protein sequence and biophysical properties (such as structural, functional, and spatial information, amino acid conservation, physicochemical variation, residue mobility, and thermodynamic stability) indicates that this missense variant is not expected to disrupt CLN6 protein function with a negative predictive value of 80%. In summary, the available evidence is currently insufficient to determine the role of this variant in disease. Therefore, it has been classified as a Variant of Uncertain Significance.

GeneDx
Classification: Uncertain significance. Last evaluated: 2015-06-22. Review status: criteria provided, single submitter. Criteria: GeneDx Variant Classification (06012015). Collection method: clinical testing. Allele origin: germline. Affected: yes.
Comment: p.Arg250His (CGC>CAC): c.749 G>A in exon 7 of the CLN6 gene (NM_017882.2). The Arg250His missense change has not been published as a mutation, nor has it been reported as a benign polymorphism to our knowledge. The NHLBI ESP Exome Variant Project has not identified Arg250His in approximately 6,500 individuals of European or African American ethnicity, indicating that it is not a common benign variant in these populations. The amino acid substitution is conservative, as Arginine and Histidine are both positively charged amino acids. It alters a position between the sixth and seventh transmembrane domains that is conserved through mammals but is not conserved in more distant species. Several in silico algorithms predict it may be damaging to protein structure/function, although another model suggests it may be benign. Therefore, based on the currently available information, it is unclear whether Arg250His is a disease-causing mutation or a rare benign variant. The variant is found in EPILEPSY panel(s).